The following is an entry in ClinVar:

ClinVar aggregate classification (germline): Uncertain significance (1 of 4 stars; one submission).

Conditions:
Macrocephaly, acquired, with impaired intellectual development. Also called: MACROCEPHALY, ACQUIRED, WITH MENTAL RETARDATION. Identifiers: MedGen C4748993, MONDO:0032658, OMIM 618286.

Submission:

3billion
Classification: Uncertain significance for Macrocephaly, acquired, with impaired intellectual development. Last evaluated: 2022-01-03. Review status: criteria provided, single submitter. Criteria: ACMG Guidelines, 2015. Collection method: clinical testing. Allele origin: germline. Affected: yes. Observed: 1 heterozygote.
Comment: The variant is not observed in the gnomAD v2.1.1 dataset (PM2_M). In silico tool predictions suggest damaging effect of the variant on gene or gene product (REVEL: 0.702, 3CNET: 0.883, PP3_P). Therefore, this variant is classified as uncertain significance according to the recommendation of ACMG/AMP guideline.

NM_001190737.2(NFIB):c.416A>G (p.Lys139Arg)

Gene: NFIB (nuclear factor I B; minus strand). Cytogenetic location: 9p22.3.
Variant type: single nucleotide variant.
Coding change: c.416A>G on transcript NM_001190737.2 (MANE Select); coding-DNA position 416, A replaced by G.
Protein change: p.Lys139Arg; replaces lysine 139 with arginine.
Molecular consequence: missense variant. On other transcripts: intron variant (3).
Genome position (GRCh38, 1-based): chr9:14,307,135, T>C on the plus strand (A>G on the coding strand, the complement: NFIB is on the minus strand). VCF-style: chr9-14307135-T-C. GRCh37 (hg19) VCF-style: chr9-14307134-T-C.
Other names: c.494A>G, p.Lys165Arg (NM_001190738.2); c.482A>G, p.Lys161Arg (NM_001369458.1, NM_001369459.1, NM_001369462.1 and 1 more transcripts); c.404A>G, p.Lys135Arg (NM_001369460.1, NM_001369463.1, NM_001369466.1 and 2 more transcripts); c.416A>G, p.Lys139Arg (NM_001369461.1, NM_001369464.1, NM_001369471.1 and 3 more transcripts); c.389A>G, p.Lys130Arg (NM_001369465.1, NM_001369467.1, NM_001369476.1); c.272A>G, p.Lys91Arg (NM_001369469.1); c.401A>G, p.Lys134Arg (NM_001369474.1); c.325+79A>G (NM_001369478.1, NM_001369470.1); and 1 more; short protein forms K130R, K134R, K135R, K139R, K161R, K165R, K91R.
Identifiers: ClinVar variation 1333649 (VCV001333649.1), dbSNP rs2132702460, ClinGen allele CA373090139.